The following is an entry in ClinVar:

NM_001211.6(BUB1B):c.718G>A (p.Ala240Thr)

Gene: BUB1B (BUB1 mitotic checkpoint serine/threonine kinase B; plus strand). Cytogenetic location: 15q15.1.
Variant type: single nucleotide variant.
Coding change: c.718G>A on transcript NM_001211.6 (MANE Select); coding-DNA position 718, G replaced by A.
Protein change: p.Ala240Thr; replaces alanine 240 with threonine.
Molecular consequence: missense variant.
Genome position (GRCh38, 1-based): chr15:40,183,850, G>A. VCF-style: chr15-40183850-G-A. GRCh37 (hg19) VCF-style: chr15-40476051-G-A.
Other names: short protein forms A240T.
Identifiers: ClinVar variation 3221441 (VCV003221441.1), dbSNP rs2037326707, ClinGen allele CA391683462.

ClinVar aggregate classification (germline): Uncertain significance (1 of 4 stars; one submission).

Conditions:
Inborn genetic diseases. Identifiers: MedGen C0950123, MeSH D030342.

Submission:

Ambry Genetics
Classification: Uncertain significance for Inborn genetic diseases. Last evaluated: 2024-02-13. Review status: criteria provided, single submitter. Criteria: Ambry Variant Classification Scheme 2023. Collection method: clinical testing. Allele origin: germline.
Comment: The p.A240T variant (also known as c.718G>A), located in coding exon 6 of the BUB1B gene, results from a G to A substitution at nucleotide position 718. The alanine at codon 240 is replaced by threonine, an amino acid with similar properties. This amino acid position is conserved. In addition, this alteration is predicted to be tolerated by in silico analysis. Based on the available evidence, the clinical significance of this alteration remains unclear.